The following is an entry in ClinVar:

ClinVar aggregate classification (germline): Uncertain significance (1 of 4 stars; one submission).

Conditions:
Familial intrahepatic cholestasis. Identifiers: Orphanet 284385, MedGen CN296401, MONDO:0017290.

Submission:

Genomenon, Inc
Classification: Uncertain significance for Familial intrahepatic cholestasis. Last evaluated: 2026-04-14. Review status: criteria provided, single submitter. Criteria: Genomenon Sequence Variant Interpretation Standards - Updated. Collection method: curation. Allele origin: germline. Affected: yes.
Comment: ABCB11 p.Thr225Pro (c.673A>C) is a missense variant that changes the amino acid at residue 225 from Threonine to Proline. This variant has been observed in at least one proband with an ABCB11-related disorder (PMID:37471416). It has been observed in trans with a pathogenic or likely pathogenic variant (PMID:37471416). It is absent or not present at a significant frequency in gnomAD. In silico models predict that this variant is possibly or probably damaging. In conclusion, we classify ABCB11 p.Thr225Pro (c.673A>C) as a variant of uncertain significance.

Literature cited by the submitters: PubMed 37471416.

NM_003742.4(ABCB11):c.673A>C (p.Thr225Pro)

Gene: ABCB11 (ATP binding cassette subfamily B member 11; minus strand). Cytogenetic location: 2q31.1.
Variant type: single nucleotide variant.
Coding change: c.673A>C on transcript NM_003742.4 (MANE Select); coding-DNA position 673, A replaced by C.
Protein change: p.Thr225Pro; replaces threonine 225 with proline.
Molecular consequence: missense variant.
Genome position (GRCh38, 1-based): chr2:168,993,821, T>G on the plus strand (A>C on the coding strand, the complement: ABCB11 is on the minus strand). VCF-style: chr2-168993821-T-G. GRCh37 (hg19) VCF-style: chr2-169850331-T-G.
Other names: short protein forms T225P.
Identifiers: ClinVar variation 4846191 (VCV004846191.1).